The following is an entry in ClinVar:

NM_001122955.4(BSCL2):c.1298C>T (p.Ala433Val)

Genes: HNRNPUL2-BSCL2 (HNRNPUL2-BSCL2 readthrough (NMD candidate); minus strand), BSCL2 (BSCL2 lipid droplet biogenesis associated, seipin; minus strand). Cytogenetic location: 11q12.3.
Variant type: single nucleotide variant.
Coding change: c.1298C>T on transcript NM_001122955.4 (MANE Select); coding-DNA position 1298, C replaced by T.
Protein change: p.Ala433Val; replaces alanine 433 with valine.
Molecular consequence: missense variant. On other transcripts: non-coding transcript variant (1), 3 prime UTR variant (1).
Genome position (GRCh38, 1-based): chr11:62,690,458, G>A on the plus strand (C>T on the coding strand, the complement: BSCL2 is on the minus strand). VCF-style: chr11-62690458-G-A. GRCh37 (hg19) VCF-style: chr11-62457930-G-A.
Other names: c.*100C>T (NM_001130702.2); c.1304C>T, p.Ala435Val (NM_001386027.1); c.1298C>T, p.Ala433Val (NM_001386028.1); c.1106C>T, p.Ala369Val (NM_032667.6); short protein forms A369V, A433V, A435V.
Identifiers: ClinVar variation 566241 (VCV000566241.17), dbSNP rs141657385, ClinGen allele CA6053259.

ClinVar aggregate classification (germline): Uncertain significance. Review status: criteria provided, multiple submitters, no conflicts (2 of 4 stars). 5 submissions from 4 submitters: Uncertain significance (5). Last evaluated 2025-12-23.

Conditions:
Congenital generalized lipodystrophy type 2 (CGL2). Also called: Berardinelli-Seip Congenital Lipodystrophy Type 2; BERARDINELLI SYNDROME; BRUNZELL SYNDROME, BSCL2-RELATED; SEIP SYNDROME. Identifiers: Orphanet 528, Orphanet 696289, MedGen C1720863, MONDO:0010020, OMIM 269700.
Neuronopathy, distal hereditary motor, type 5A (HMND5). Also called: NEURONOPATHY, DISTAL HEREDITARY MOTOR, AUTOSOMAL DOMINANT 5; Distal Spinal Muscular Atrophy V (dSMA-V); Distal Spinal Muscular Atrophy V; DHMN VA. Identifiers: Orphanet 139536, MedGen CN031873, MONDO:0015353, OMIM 600794.
Severe neurodegenerative syndrome with lipodystrophy. Also called: Encephalopathy, progressive, with or without lipodystrophy; ENCEPHALOPATHY, PROGRESSIVE, WITH LIPODYSTROPHY. Identifiers: Orphanet 363400, MedGen C4014700, MONDO:0014402, OMIM 615924.
Hereditary spastic paraplegia 17. Also called: Silver spastic paraplegia syndrome; SPASTIC PARAPLEGIA WITH AMYOTROPHY OF HANDS AND FEET; Spastic Paraplegia 17; Autosomal dominant spastic paraplegia type 17; Silver Syndrome. Identifiers: Orphanet 100998, MedGen C2931276, MONDO:0010043, OMIM 270685.
Neuronopathy, distal hereditary motor, type 5C. Also called: NEURONOPATHY, DISTAL HEREDITARY MOTOR, HARDING TYPE VC; NEUROPATHY, DISTAL HEREDITARY MOTOR, HARDING TYPE VC; SPINAL MUSCULAR ATROPHY, DISTAL, HARDING TYPE VC; DHMN VC; NEURONOPATHY, DISTAL HEREDITARY MOTOR, AUTOSOMAL DOMINANT 13. Identifiers: MedGen C5436838, MONDO:0030860, OMIM 619112.
Charcot-Marie-Tooth disease type 2. Also called: Charcot-Marie-Tooth type 2. Identifiers: Orphanet 64746, MedGen C0270914, MONDO:0018993.
Hereditary spastic paraplegia. Also called: Familial spastic paraparesis. Identifiers: Orphanet 685, MedGen C0037773, MONDO:0019064. Disease mechanism: loss of function.

Allele frequency attached by ClinVar (database versions not stated): TOPMed below 0.00001; gnomAD exomes 0.00001; ExAC 0.00002; ESP Exome Variant Server 0.00008.
gnomAD v4.1: 9 of 1,614,186 alleles (0.00056%); highest among the groups gnomAD compares: Non-Finnish European, 0.00076%; no homozygotes.

Submissions (5):

Labcorp Genetics (formerly Invitae), Labcorp
Classification: Uncertain significance for Charcot-Marie-Tooth disease type 2. Last evaluated: 2025-12-23. Review status: criteria provided, single submitter. Criteria: Invitae Variant Classification Sherloc (09022015). Collection method: clinical testing. Allele origin: germline.
Comment: This sequence change replaces alanine, which is neutral and non-polar, with valine, which is neutral and non-polar, at codon 369 of the BSCL2 protein (p.Ala369Val). This variant is present in population databases (rs141657385, gnomAD 0.003%). This variant has not been reported in the literature in individuals affected with BSCL2-related conditions. ClinVar contains an entry for this variant (Variation ID: 566241). An algorithm developed to predict the effect of missense changes on protein structure and function (PolyPhen-2) suggests that this variant is likely to be tolerated. In summary, the available evidence is currently insufficient to determine the role of this variant in disease. Therefore, it has been classified as a Variant of Uncertain Significance.

Blueprint Genetics
Classification: Uncertain significance. Last evaluated: 2024-03-21. Review status: criteria provided, single submitter. Criteria: ACMG Guidelines, 2015. Collection method: clinical testing. Allele origin: germline.

Fulgent Genetics
Classification: Uncertain significance for Congenital generalized lipodystrophy type 2; Hereditary spastic paraplegia 17; Severe neurodegenerative syndrome with lipodystrophy; Neuronopathy, distal hereditary motor, type 5C. Last evaluated: 2024-01-24. Review status: criteria provided, single submitter. Criteria: ACMG Guidelines, 2015. Collection method: clinical testing. Allele origin: germline.

Genome Diagnostics Laboratory, The Hospital for Sick Children
Classification: Uncertain significance for Hereditary spastic paraplegia. Last evaluated: 2019-03-01. Review status: criteria provided, single submitter. Criteria: ACMG Guidelines, 2015. Collection method: clinical testing. Allele origin: germline. Affected: yes.

Fulgent Genetics
Classification: Uncertain significance for Congenital generalized lipodystrophy type 2; Hereditary spastic paraplegia 17; Neuronopathy, distal hereditary motor, type 5A; Severe neurodegenerative syndrome with lipodystrophy. Last evaluated: 2018-10-31. Review status: criteria provided, single submitter. Criteria: ACMG Guidelines, 2015. Collection method: clinical testing. Allele origin: unknown.